The following is an entry in ClinVar:

ClinVar aggregate classification (germline): Uncertain significance (1 of 4 stars; one submission).

Conditions:
Cone-rod dystrophy 6 (CORD6). Also called: Cone dystrophy progressive; RETINAL CONE DYSTROPHY 2. Identifiers: Orphanet 1872, MedGen C1866293, MONDO:0011143, OMIM 601777.
Leber congenital amaurosis 1 (LCA1). Also called: Congenital absence of the rods and cones; Leber's congenital tapetoretinal degeneration; Leber's congenital tapetoretinal dysplasia; AMAUROSIS CONGENITA OF LEBER I; RETINAL BLINDNESS, CONGENITAL. Identifiers: Orphanet 65, MedGen C2931258, MONDO:0008764, OMIM 204000.

Allele frequency attached by ClinVar (database versions not stated): ExAC 0.00001; gnomAD 0.00001; 1000 Genomes Project 30x 0.00016; 1000 Genomes Project 0.00020.
gnomAD v4.1: 1 of 1,612,746 alleles (0.000062%); highest among the groups gnomAD compares: East Asian, 0.0022%; no homozygotes.

Submission:

Labcorp Genetics (formerly Invitae), Labcorp
Classification: Uncertain significance for Leber congenital amaurosis 1; Cone-rod dystrophy 6. Last evaluated: 2023-12-15. Review status: criteria provided, single submitter. Criteria: Invitae Variant Classification Sherloc (09022015). Collection method: clinical testing. Allele origin: germline.
Comment: This sequence change replaces asparagine, which is neutral and polar, with serine, which is neutral and polar, at codon 297 of the GUCY2D protein (p.Asn297Ser). This variant is present in population databases (rs573405328, gnomAD 0.006%). This variant has not been reported in the literature in individuals affected with GUCY2D-related conditions. Advanced modeling of protein sequence and biophysical properties (such as structural, functional, and spatial information, amino acid conservation, physicochemical variation, residue mobility, and thermodynamic stability) performed at Invitae indicates that this missense variant is not expected to disrupt GUCY2D protein function with a negative predictive value of 80%. In summary, the available evidence is currently insufficient to determine the role of this variant in disease. Therefore, it has been classified as a Variant of Uncertain Significance.

NM_000180.4(GUCY2D):c.890A>G (p.Asn297Ser)

Gene: GUCY2D (guanylate cyclase 2D, retinal; plus strand). Cytogenetic location: 17p13.1.
Variant type: single nucleotide variant.
Coding change: c.890A>G on transcript NM_000180.4 (MANE Select); coding-DNA position 890, A replaced by G.
Protein change: p.Asn297Ser; replaces asparagine 297 with serine.
Molecular consequence: missense variant.
Genome position (GRCh38, 1-based): chr17:8,004,020, A>G. VCF-style: chr17-8004020-A-G. GRCh37 (hg19) VCF-style: chr17-7907338-A-G.
Other names: short protein forms N297S.
Identifiers: ClinVar variation 2949105 (VCV002949105.3), dbSNP rs573405328, ClinGen allele CA8365591.